The following is an entry in ClinVar:

ClinVar aggregate classification (germline): Uncertain significance (1 of 4 stars; one submission).

Conditions:
Polyglandular autoimmune syndrome, type 1 (APS1). Also called: Whitaker syndrome; Autoimmune polyendocrinopathy syndrome, type I; Autoimmune polyendocrinopathy syndrome , type I, with or without reversible metaphyseal dysplasia; Autoimmune polyendocrine syndrome type 1; HYPOADRENOCORTICISM WITH HYPOPARATHYROIDISM AND SUPERFICIAL MONILIASIS; PGA I. Identifiers: Orphanet 3453, MedGen C0085859, MONDO:0009411, OMIM 240300.

Allele frequency attached by ClinVar (database versions not stated): TOPMed below 0.00001; ExAC 0.00003.
gnomAD v4.1: 8 of 1,573,790 alleles (0.00051%); highest among the groups gnomAD compares: Non-Finnish European, 0.00069%; no homozygotes.

Submission:

Labcorp Genetics (formerly Invitae), Labcorp
Classification: Uncertain significance for Polyglandular autoimmune syndrome, type 1. Last evaluated: 2023-12-06. Review status: criteria provided, single submitter. Criteria: Invitae Variant Classification Sherloc (09022015). Collection method: clinical testing. Allele origin: germline.
Comment: This sequence change replaces proline, which is neutral and non-polar, with alanine, which is neutral and non-polar, at codon 483 of the AIRE protein (p.Pro483Ala). This variant is present in population databases (rs780816581, gnomAD 0.001%). This variant has not been reported in the literature in individuals affected with AIRE-related conditions. Advanced modeling of protein sequence and biophysical properties (such as structural, functional, and spatial information, amino acid conservation, physicochemical variation, residue mobility, and thermodynamic stability) performed at Invitae indicates that this missense variant is not expected to disrupt AIRE protein function with a negative predictive value of 95%. In summary, the available evidence is currently insufficient to determine the role of this variant in disease. Therefore, it has been classified as a Variant of Uncertain Significance.

NM_000383.4(AIRE):c.1447C>G (p.Pro483Ala)

Gene: AIRE (autoimmune regulator; plus strand). Cytogenetic location: 21q22.3.
Variant type: single nucleotide variant.
Coding change: c.1447C>G on transcript NM_000383.4 (MANE Select); coding-DNA position 1447, C replaced by G.
Protein change: p.Pro483Ala; replaces proline 483 with alanine.
Molecular consequence: missense variant.
Genome position (GRCh38, 1-based): chr21:44,294,447, C>G. VCF-style: chr21-44294447-C-G. GRCh37 (hg19) VCF-style: chr21-45714330-C-G.
Other names: short protein forms P483A.
Identifiers: ClinVar variation 3010969 (VCV003010969.1), dbSNP rs780816581, ClinGen allele CA10052133.